The following is an entry in ClinVar:

ClinVar aggregate classification (germline): Uncertain significance (1 of 4 stars; one submission).

Allele frequency attached by ClinVar (database versions not stated): gnomAD exomes below 0.00001.

Submission:

Labcorp Genetics (formerly Invitae), Labcorp
Classification: Uncertain significance. Last evaluated: 2020-02-21. Review status: criteria provided, single submitter. Criteria: Invitae Variant Classification Sherloc (09022015). Collection method: clinical testing. Allele origin: germline.
Comment: This sequence change replaces glycine with aspartic acid at codon 704 of the CEP78 protein (p.Gly704Asp). The glycine residue is weakly conserved and there is a moderate physicochemical difference between glycine and aspartic acid. This variant is not present in population databases (ExAC no frequency). This variant has not been reported in the literature in individuals with CEP78-related conditions. Algorithms developed to predict the effect of missense changes on protein structure and function output the following: SIFT: "Tolerated"; PolyPhen-2: "Benign"; Align-GVGD: "Class C0". The aspartic acid amino acid residue is found in multiple mammalian species, suggesting that this missense change does not adversely affect protein function. These predictions have not been confirmed by published functional studies and their clinical significance is uncertain. In summary, the available evidence is currently insufficient to determine the role of this variant in disease. Therefore, it has been classified as a Variant of Uncertain Significance.

NM_001330691.3(CEP78):c.2107+1G>A

Gene: CEP78 (centrosomal protein 78; plus strand). Cytogenetic location: 9q21.2.
Variant type: single nucleotide variant.
Coding change: c.2107+1G>A on transcript NM_001330691.3 (MANE Select); the canonical splice donor site of the intron after coding-DNA position 2107, G replaced by A.
Molecular consequence: splice donor variant. On other transcripts: missense variant (4).
Genome position (GRCh38, 1-based): chr9:78,266,704, G>A. VCF-style: chr9-78266704-G-A. GRCh37 (hg19) VCF-style: chr9-80881620-G-A.
Other names: c.2111G>A, p.Gly704Asp (NM_001098802.3); c.2060G>A, p.Gly687Asp (NM_001330694.2); c.2108G>A, p.Gly703Asp (NM_001349838.2); c.2063G>A, p.Gly688Asp (NM_032171.3); c.2110+1G>A (NM_001349839.2); c.2062+1G>A (NM_001349840.2); c.2059+1G>A (NM_001330693.3); short protein forms G688D, G687D, G703D, G704D.
Identifiers: ClinVar variation 858852 (VCV000858852.10), dbSNP rs1827556579, ClinGen allele CA373868108.